The following is an entry in ClinVar:

ClinVar aggregate classification (germline): Uncertain significance (1 of 4 stars; one submission).

Conditions:
Hereditary cancer-predisposing syndrome. Also called: Neoplastic Syndromes, Hereditary; Tumor predisposition; Hereditary Cancer Syndrome; Hereditary neoplastic syndrome. Identifiers: Orphanet 140162, MedGen C0027672, MeSH D009386, MONDO:0015356.

Allele frequency attached by ClinVar (database versions not stated): gnomAD exomes below 0.00001.
gnomAD v4.1: 1 of 1,613,136 alleles (0.000062%); highest among the groups gnomAD compares: South Asian, 0.0011%; no homozygotes.

Submission:

Ambry Genetics
Classification: Uncertain significance for Hereditary cancer-predisposing syndrome. Last evaluated: 2025-05-06. Review status: criteria provided, single submitter. Criteria: Ambry Variant Classification Scheme 2023. Collection method: clinical testing. Allele origin: germline.
Comment: The p.I296M variant (also known as c.888T>G), located in coding exon 9 of the POLE gene, results from a T to G substitution at nucleotide position 888. The isoleucine at codon 296 is replaced by methionine, an amino acid with highly similar properties. This amino acid position is highly conserved in available vertebrate species. In addition, the in silico prediction for this alteration is inconclusive. Based on the available evidence, the clinical significance of this variant remains unclear.

NM_006231.4(POLE):c.888T>G (p.Ile296Met)

Gene: POLE (DNA polymerase epsilon, catalytic subunit; minus strand). Cytogenetic location: 12q24.33.
Variant type: single nucleotide variant.
Coding change: c.888T>G on transcript NM_006231.4 (MANE Select); coding-DNA position 888, T replaced by G.
Protein change: p.Ile296Met; replaces isoleucine 296 with methionine.
Molecular consequence: missense variant.
Genome position (GRCh38, 1-based): chr12:132,676,567, A>C on the plus strand (T>G on the coding strand, the complement: POLE is on the minus strand). VCF-style: chr12-132676567-A-C. GRCh37 (hg19) VCF-style: chr12-133253153-A-C.
Other names: short protein forms I296M.
Identifiers: ClinVar variation 1764999 (VCV001764999.3), dbSNP rs2542171182, ClinGen allele CA387364203.